The following is an entry in ClinVar:

ClinVar aggregate classification (germline): Uncertain significance (1 of 4 stars; one submission).

Submission:

Labcorp Genetics (formerly Invitae), Labcorp
Classification: Uncertain significance. Last evaluated: 2025-12-08. Review status: criteria provided, single submitter. Criteria: Invitae Variant Classification Sherloc (09022015). Collection method: clinical testing. Allele origin: germline.
Comment: This sequence change falls in intron 15 of the EIF2AK3 gene. It does not directly change the encoded amino acid sequence of the EIF2AK3 protein. It affects a nucleotide within the consensus splice site. This variant is not present in population databases (gnomAD no frequency). This variant has not been reported in the literature in individuals affected with EIF2AK3-related conditions. ClinVar contains an entry for this variant (Variation ID: 2087101). Variants that disrupt the consensus splice site are a relatively common cause of aberrant splicing (PMID: 17576681, 9536098). Algorithms developed to predict the effect of sequence changes on RNA splicing suggest that this variant may disrupt the consensus splice site. In summary, the available evidence is currently insufficient to determine the role of this variant in disease. Therefore, it has been classified as a Variant of Uncertain Significance.

Literature cited by the submitters: PubMed 17576681; PubMed 9536098.

NM_004836.7(EIF2AK3):c.3087+3A>T

Genes: EIF2AK3 (eukaryotic translation initiation factor 2 alpha kinase 3; minus strand), EIF2AK3-AS1 (EIF2AK3 antisense RNA 1; plus strand). Cytogenetic location: 2p11.2.
Variant type: single nucleotide variant.
Coding change: c.3087+3A>T on transcript NM_004836.7 (MANE Select); 3 bases into the intron after coding-DNA position 3087, A replaced by T.
Molecular consequence: intron variant.
Genome position (GRCh38, 1-based): chr2:88,562,286, T>A on the plus strand (A>T on the coding strand, the complement: EIF2AK3 is on the minus strand). VCF-style: chr2-88562286-T-A. GRCh37 (hg19) VCF-style: chr2-88861804-T-A.
Other names: c.2634+3A>T (NM_001313915.2).
Identifiers: ClinVar variation 2087101 (VCV002087101.4), dbSNP rs2529098532, ClinGen allele CA2580068290.